The following is an entry in ClinVar:

ClinVar aggregate classification (germline): Uncertain significance (1 of 4 stars; one submission).

Conditions:
Baller-Gerold syndrome (BGS). Also called: CRANIOSYNOSTOSIS WITH RADIAL DEFECTS. Identifiers: Orphanet 1225, MedGen C0265308, MONDO:0009039, OMIM 218600.

Submission:

Labcorp Genetics (formerly Invitae), Labcorp
Classification: Uncertain significance for Baller-Gerold syndrome. Last evaluated: 2023-06-05. Review status: criteria provided, single submitter. Criteria: Invitae Variant Classification Sherloc (09022015). Collection method: clinical testing. Allele origin: germline.
Comment: In summary, the available evidence is currently insufficient to determine the role of this variant in disease. Therefore, it has been classified as a Variant of Uncertain Significance. Experimental studies and prediction algorithms are not available or were not evaluated, and the functional significance of this variant is currently unknown. ClinVar contains an entry for this variant (Variation ID: 948521). This variant has not been reported in the literature in individuals affected with RECQL4-related conditions. This variant is not present in population databases (gnomAD no frequency). This sequence change replaces glutamic acid, which is acidic and polar, with glutamine, which is neutral and polar, at codon 36 of the RECQL4 protein (p.Glu36Gln).

NM_004260.4(RECQL4):c.106G>C (p.Glu36Gln)

Genes: RECQL4 (RecQ like helicase 4; minus strand), LOC130001411 (ATAC-STARR-seq lymphoblastoid silent region 19699; plus strand). Cytogenetic location: 8q24.3.
Variant type: single nucleotide variant.
Coding change: c.106G>C on transcript NM_004260.4 (MANE Select); coding-DNA position 106, G replaced by C.
Protein change: p.Glu36Gln; replaces glutamic acid 36 with glutamine.
Molecular consequence: missense variant.
Genome position (GRCh38, 1-based): chr8:144,517,614, C>G on the plus strand (G>C on the coding strand, the complement: RECQL4 is on the minus strand). VCF-style: chr8-144517614-C-G. GRCh37 (hg19) VCF-style: chr8-145742998-C-G.
Other names: short protein forms E36Q.
Identifiers: ClinVar variation 948521 (VCV000948521.7), dbSNP rs1815402122, ClinGen allele CA372693420.